The following is an entry in ClinVar:

ClinVar aggregate classification (germline): Uncertain significance (1 of 4 stars; one submission).

Conditions:
Emery-Dreifuss muscular dystrophy (EDMD). Also called: Scapuloperoneal syndrome, X-linked (formerly); Humeroperoneal neuromuscular disease, (formerly). Identifiers: Orphanet 261, MedGen C0410189, MONDO:0016830.

gnomAD v4.1: 12 of 1,602,324 alleles (0.00075%); highest among the groups gnomAD compares: South Asian, 0.012%; no homozygotes.

Submission:

Labcorp Genetics (formerly Invitae), Labcorp
Classification: Uncertain significance for Emery-Dreifuss muscular dystrophy. Last evaluated: 2025-10-14. Review status: criteria provided, single submitter. Criteria: Invitae Variant Classification Sherloc (09022015). Collection method: clinical testing. Allele origin: germline.
Comment: This sequence change replaces glutamine, which is neutral and polar, with histidine, which is basic and polar, at codon 484 of the SUN1 protein (p.Gln484His). This variant is present in population databases (rs769379867, gnomAD 0.01%). This variant has not been reported in the literature in individuals affected with SUN1-related conditions. An algorithm developed to predict the effect of missense changes on protein structure and function outputs the following: PolyPhen-2: "Benign". The histidine amino acid residue is found in multiple mammalian species, which suggests that this missense change does not adversely affect protein function. In summary, the available evidence is currently insufficient to determine the role of this variant in disease. Therefore, it has been classified as a Variant of Uncertain Significance.

NM_001130965.3(SUN1):c.1452G>C (p.Gln484His)

Gene: SUN1 (Sad1 and UNC84 domain containing 1; plus strand). Cytogenetic location: 7p22.3.
Variant type: single nucleotide variant.
Coding change: c.1452G>C on transcript NM_001130965.3 (MANE Select); coding-DNA position 1452, G replaced by C.
Protein change: p.Gln484His; replaces glutamine 484 with histidine.
Molecular consequence: missense variant. On other transcripts: non-coding transcript variant (3).
Genome position (GRCh38, 1-based): chr7:857,885, G>C. VCF-style: chr7-857885-G-C. GRCh37 (hg19) VCF-style: chr7-897522-G-C.
Other names: c.1743G>C, p.Gln581His (NM_001367690.1); c.1353G>C, p.Gln451His (NM_001367701.1); c.1464G>C, p.Gln488His (NM_001367702.1, NM_001367704.1); c.1845G>C, p.Gln615His (NM_001367703.1, NM_001367705.1); c.1584G>C, p.Gln528His (NM_001367706.1, NM_001367673.1); c.885G>C, p.Gln295His (NM_001367708.1); c.1203G>C, p.Gln401His (NM_025154.6); c.1143G>C, p.Gln381His (NM_001171944.2); and 43 more; short protein forms Q331H, Q381H, Q433H, Q462H, Q470H, Q484H, Q488H, Q498H.
Identifiers: ClinVar variation 4748606 (VCV004748606.1).